The following is an entry in ClinVar:

ClinVar aggregate classification (germline): Uncertain significance (1 of 4 stars; one submission).

Conditions:
Koolen-de Vries syndrome (KDVS). Identifiers: Orphanet 96169, MedGen C1864871, MONDO:0012496, OMIM 610443.

Submission:

Labcorp Genetics (formerly Invitae), Labcorp
Classification: Uncertain significance for Koolen-de Vries syndrome. Last evaluated: 2021-09-17. Review status: criteria provided, single submitter. Criteria: Invitae Variant Classification Sherloc (09022015). Collection method: clinical testing. Allele origin: germline.
Comment: Due to the possible presence of a polymorphic segmental duplication, the location of the variant could not be unambiguously resolved. Variants with ambiguous mapping are still reported relative to the KANSL1 transcript. This sequence change replaces asparagine with lysine at codon 369 of the KANSL1 protein (p.Asn369Lys). The asparagine residue is highly conserved and there is a moderate physicochemical difference between asparagine and lysine. The frequency data for this variant in the population databases (ExAC) is considered unreliable due to the presence of homologous sequence, such as pseudogenes or paralogs, in the genome. This variant has not been reported in the literature in individuals with KANSL1-related conditions. Algorithms developed to predict the effect of missense changes on protein structure and function are either unavailable or do not agree on the potential impact of this missense change (SIFT: "Deleterious"; PolyPhen-2: "Benign"; Align-GVGD: "Class C25"). Until the location of this sequence change can be resolved, the clinical significance of this variant remains uncertain. It has been classified as a Variant of Uncertain Significance.

NM_015443.4(KANSL1):c.1107C>A (p.Asn369Lys)

Gene: KANSL1 (KAT8 regulatory NSL complex subunit 1). Cytogenetic location: 17q21.31.
Variant type: single nucleotide variant.
Coding change: c.1107C>A on transcript NM_015443.4 (MANE Select); coding-DNA position 1107, C replaced by A.
Protein change: p.Asn369Lys; replaces asparagine 369 with lysine.
Molecular consequence: missense variant.
Genome position (GRCh38, 1-based): chr17:46,171,037, G>T on the plus strand (C>A on the coding strand, the complement: KANSL1 is on the minus strand). VCF-style: chr17-46171037-G-T. GRCh37 (hg19) VCF-style: chr17-44248403-G-T.
Other names: c.1107C>A, p.Asn369Lys (NM_001193465.2, NM_001193466.2, NM_001379198.1); short protein forms N369K.
Identifiers: ClinVar variation 1506154 (VCV001506154.5), dbSNP rs2147733228, ClinGen allele CA399979243.